The following is an entry in ClinVar:

ClinVar aggregate classification (germline): Uncertain significance (1 of 4 stars; one submission).

Conditions:
Pitt-Hopkins-like syndrome 2 (PTHSL2). Identifiers: Orphanet 221150, Orphanet 600663, MedGen C3280479, MONDO:0013690, OMIM 614325.

Allele frequency attached by ClinVar (database versions not stated): TOPMed 0.00001; gnomAD 0.00002.
gnomAD v4.1: 4 of 1,613,882 alleles (0.00025%); highest among the groups gnomAD compares: African/African-American, 0.004%; no homozygotes.

Submission:

Labcorp Genetics (formerly Invitae), Labcorp
Classification: Uncertain significance for Pitt-Hopkins-like syndrome 2. Last evaluated: 2024-01-22. Review status: criteria provided, single submitter. Criteria: Invitae Variant Classification Sherloc (09022015). Collection method: clinical testing. Allele origin: germline.
Comment: This sequence change replaces aspartic acid, which is acidic and polar, with asparagine, which is neutral and polar, at codon 1355 of the NRXN1 protein (p.Asp1355Asn). This variant is present in population databases (no rsID available, gnomAD 0.02%). This variant has not been reported in the literature in individuals affected with NRXN1-related conditions. ClinVar contains an entry for this variant (Variation ID: 1921527). Advanced modeling of protein sequence and biophysical properties (such as structural, functional, and spatial information, amino acid conservation, physicochemical variation, residue mobility, and thermodynamic stability) performed at Invitae indicates that this missense variant is not expected to disrupt NRXN1 protein function with a negative predictive value of 80%. In summary, the available evidence is currently insufficient to determine the role of this variant in disease. Therefore, it has been classified as a Variant of Uncertain Significance.

NM_001330078.2(NRXN1):c.3943G>A (p.Asp1315Asn)

Gene: NRXN1 (neurexin 1; minus strand). Cytogenetic location: 2p16.3.
Variant type: single nucleotide variant.
Coding change: c.3943G>A on transcript NM_001330078.2 (MANE Select); coding-DNA position 3943, G replaced by A.
Protein change: p.Asp1315Asn; replaces aspartic acid 1315 with asparagine.
Molecular consequence: missense variant.
Genome position (GRCh38, 1-based): chr2:50,053,456, C>T on the plus strand (G>A on the coding strand, the complement: NRXN1 is on the minus strand). VCF-style: chr2-50053456-C-T. GRCh37 (hg19) VCF-style: chr2-50280594-C-T.
Other names: c.4063G>A, p.Asp1355Asn (NM_001135659.3); c.3919G>A, p.Asp1307Asn (NM_001330077.2, NM_001330082.2); c.3787G>A, p.Asp1263Asn (NM_001330083.2); c.3877G>A, p.Asp1293Asn (NM_001330084.2); c.3916G>A, p.Asp1306Asn (NM_001330085.2); c.3943G>A, p.Asp1315Asn (NM_001330086.2); c.3742G>A, p.Asp1248Asn (NM_001330087.2, NM_001330096.2); c.3772G>A, p.Asp1258Asn (NM_001330088.2); and 6 more; short protein forms D1258N, D1268N, D1285N, D1306N, D1314N, D1263N, D1311N, D1355N.
Identifiers: ClinVar variation 1921527 (VCV001921527.5), dbSNP rs1379894660, ClinGen allele CA346819716.